The following is an entry in ClinVar:

NM_000429.3(MAT1A):c.916G>C (p.Val306Leu)

Gene: MAT1A (methionine adenosyltransferase 1A; minus strand). Cytogenetic location: 10q22.3.
Variant type: single nucleotide variant.
Coding change: c.916G>C on transcript NM_000429.3 (MANE Select); coding-DNA position 916, G replaced by C.
Protein change: p.Val306Leu; replaces valine 306 with leucine.
Molecular consequence: missense variant.
Genome position (GRCh38, 1-based): chr10:80,275,052, C>G on the plus strand (G>C on the coding strand, the complement: MAT1A is on the minus strand). VCF-style: chr10-80275052-C-G. GRCh37 (hg19) VCF-style: chr10-82034808-C-G.
Other names: short protein forms V306L.
Identifiers: ClinVar variation 301186 (VCV000301186.9), dbSNP rs369601773, ClinGen allele CA5576668.

ClinVar aggregate classification (germline): Uncertain significance. Review status: criteria provided, multiple submitters, no conflicts (2 of 4 stars). 4 submissions from 4 submitters: Uncertain significance (4). Last evaluated 2025-02-13.

Conditions:
Inborn genetic diseases. Identifiers: MedGen C0950123, MeSH D030342.
Hepatic methionine adenosyltransferase deficiency. Also called: MAT I/III DEFICIENCY; Deficiency of methionine adenosyltransferase; Isolated Persistent Hypermethioninemia; Methionine adenosyltransferase deficiency. Identifiers: Orphanet 168598, MedGen C0268621, MeSH C564683, MONDO:0009607, OMIM 250850.

Allele frequency attached by ClinVar (database versions not stated): gnomAD 0.00007 and 0.00008; ESP Exome Variant Server 0.00015; TOPMed 0.00004.
gnomAD v4.1: 245 of 1,563,980 alleles (0.016%); highest among the groups gnomAD compares: Non-Finnish European, 0.02%; no homozygotes.

Submissions (4):

Labcorp Genetics (formerly Invitae), Labcorp
Classification: Uncertain significance for Hepatic methionine adenosyltransferase deficiency. Last evaluated: 2025-02-13. Review status: criteria provided, single submitter. Criteria: Invitae Variant Classification Sherloc (09022015). Collection method: clinical testing. Allele origin: germline.
Comment: This sequence change replaces valine, which is neutral and non-polar, with leucine, which is neutral and non-polar, at codon 306 of the MAT1A protein (p.Val306Leu). This variant is present in population databases (rs369601773, gnomAD 0.02%). This variant has not been reported in the literature in individuals affected with MAT1A-related conditions. ClinVar contains an entry for this variant (Variation ID: 301186). Invitae Evidence Modeling of protein sequence and biophysical properties (such as structural, functional, and spatial information, amino acid conservation, physicochemical variation, residue mobility, and thermodynamic stability) indicates that this missense variant is not expected to disrupt MAT1A protein function with a negative predictive value of 80%. In summary, the available evidence is currently insufficient to determine the role of this variant in disease. Therefore, it has been classified as a Variant of Uncertain Significance.

Fulgent Genetics
Classification: Uncertain significance for Hepatic methionine adenosyltransferase deficiency. Last evaluated: 2022-02-15. Review status: criteria provided, single submitter. Criteria: ACMG Guidelines, 2015. Collection method: clinical testing. Allele origin: unknown.

Ambry Genetics
Classification: Uncertain significance for Inborn genetic diseases. Last evaluated: 2021-08-02. Review status: criteria provided, single submitter. Criteria: Ambry Variant Classification Scheme 2023. Collection method: clinical testing. Allele origin: germline.

Illumina Laboratory Services, Illumina
Classification: Uncertain significance for Hepatic methionine adenosyltransferase deficiency. Last evaluated: 2018-01-13. Review status: criteria provided, single submitter. Criteria: ICSL Variant Classification Criteria 13 December 2019. Collection method: clinical testing. Allele origin: germline.